The following is an entry in ClinVar:

ClinVar aggregate classification (germline): Uncertain significance (1 of 4 stars; one submission).

Submission:

Labcorp Genetics (formerly Invitae), Labcorp
Classification: Uncertain significance. Last evaluated: 2022-10-21. Review status: criteria provided, single submitter. Criteria: Invitae Variant Classification Sherloc (09022015). Collection method: clinical testing. Allele origin: germline.
Comment: This sequence change replaces alanine, which is neutral and non-polar, with glycine, which is neutral and non-polar, at codon 22 of the FGF8 protein (p.Ala22Gly). This variant is not present in population databases (gnomAD no frequency). This variant has not been reported in the literature in individuals affected with FGF8-related conditions. Algorithms developed to predict the effect of missense changes on protein structure and function are either unavailable or do not agree on the potential impact of this missense change (SIFT: "Deleterious"; PolyPhen-2: "Probably Damaging"; Align-GVGD: "Class C0"). In summary, the available evidence is currently insufficient to determine the role of this variant in disease. Therefore, it has been classified as a Variant of Uncertain Significance.

NM_033163.5(FGF8):c.65C>G (p.Ala22Gly)

Gene: FGF8 (fibroblast growth factor 8; minus strand). Cytogenetic location: 10q24.32.
Variant type: single nucleotide variant.
Coding change: c.65C>G on transcript NM_033163.5 (MANE Select); coding-DNA position 65, C replaced by G.
Protein change: p.Ala22Gly; replaces alanine 22 with glycine.
Molecular consequence: missense variant. On other transcripts: 5 prime UTR variant (1).
Genome position (GRCh38, 1-based): chr10:101,775,744, G>C on the plus strand (C>G on the coding strand, the complement: FGF8 is on the minus strand). VCF-style: chr10-101775744-G-C. GRCh37 (hg19) VCF-style: chr10-103535501-G-C.
Other names: c.-128C>G (NM_001206389.2); c.65C>G, p.Ala22Gly (NM_006119.6, NM_033164.4, NM_033165.5); short protein forms A22G.
Identifiers: ClinVar variation 1964815 (VCV001964815.5), dbSNP rs2539370461, ClinGen allele CA377838720.